The following is an entry in ClinVar:

ClinVar aggregate classification (germline): Benign. Review status: criteria provided, multiple submitters, no conflicts (2 of 4 stars). 3 submissions from 3 submitters: Benign (3). Last evaluated 2026-02-04.

Allele frequency attached by ClinVar (database versions not stated): TOPMed 0.46564; 1000 Genomes Project 30x 0.50141.
gnomAD v4.1: 236,223 of 656,438 alleles (36%); highest among the groups gnomAD compares: African/African-American, 74%; 48,554 homozygotes.

Submissions (3):

Labcorp Genetics (formerly Invitae), Labcorp
Classification: Benign. Last evaluated: 2026-02-04. Review status: criteria provided, single submitter. Criteria: Invitae Variant Classification Sherloc (09022015). Collection method: clinical testing. Allele origin: germline.

GeneDx
Classification: Benign. Last evaluated: 2018-03-14. Review status: criteria provided, single submitter. Criteria: GeneDx Variant Classification (06012015). Collection method: clinical testing. Allele origin: germline. Affected: yes.
Comment: This variant is considered likely benign or benign based on one or more of the following criteria: it is a conservative change, it occurs at a poorly conserved position in the protein, it is predicted to be benign by multiple in silico algorithms, and/or has population frequency not consistent with disease.

Breakthrough Genomics
Classification: Benign. Review status: criteria provided, single submitter. Criteria: ACMG Guidelines, 2015. Collection method: not provided. Allele origin: germline. Inheritance: Multifactorial inheritance. Affected: yes.

NM_002075.4(GNB3):c.700-126G>A

Genes: CDCA3 (cell division cycle associated 3; minus strand), GNB3 (G protein subunit beta 3; plus strand). Cytogenetic location: 12p13.31.
Variant type: single nucleotide variant.
Coding change: c.700-126G>A on transcript NM_002075.4 (MANE Select); 126 bases into the intron before coding-DNA position 700, G replaced by A.
Molecular consequence: intron variant.
Genome position (GRCh38, 1-based): chr12:6,845,460, G>A. VCF-style: chr12-6845460-G-A. GRCh37 (hg19) VCF-style: chr12-6954624-G-A.
Other names: c.697-126G>A (NM_001297571.2).
Identifiers: ClinVar variation 675808 (VCV000675808.10), dbSNP rs2301339, ClinGen allele CA13578760.
Genomic context (GRCh38, chr12:6,845,460, plus strand): 5'-TAGGGAAGTCACTGGCACGTGGTATGTGTTGGCAGGGCTGCTTCTCACCCCAAACCAAGG[G>A]AGGGACAGGCAGGGAGGCTGAGAGCAGCGGCTTGCCCTGGAGCTGTCAGGTGGGAGGCAG-3'